The following is an entry in ClinVar:

NC_000013.11:g.(?_32329423)_(32398790_?)del

Genes: BRCA2 (BRCA2 DNA repair associated; plus strand), LOC130009524 (ATAC-STARR-seq lymphoblastoid active region 7555; plus strand), LOC112163653 (Sharpr-MPRA regulatory region 1962; plus strand). Cytogenetic location: 13q13.1.
Variant type: Deletion.
Identifiers: ClinVar variation 652968 (VCV000652968.11).

ClinVar aggregate classification (germline): Pathogenic (1 of 4 stars; one submission).

Conditions:
Hereditary breast ovarian cancer syndrome. Also called: Breast and ovarian cancer; BRCA1- and BRCA2-Associated Hereditary Breast and Ovarian Cancer; Hereditary breast and ovarian cancer; Hereditary breast and/or ovarian cancer syndrome; Hereditary breast and ovarian cancer syndrome; Hereditary breast and ovarian cancer syndrome (HBOC). Identifiers: Orphanet 145, MedGen C0677776, MeSH D061325, MONDO:0003582. Disease mechanism: loss of function.

Submission:

Labcorp Genetics (formerly Invitae), Labcorp
Classification: Pathogenic for Hereditary breast ovarian cancer syndrome. Last evaluated: 2022-10-17. Review status: criteria provided, single submitter. Criteria: Invitae Variant Classification Sherloc (09022015). Collection method: clinical testing. Allele origin: germline.
Comment: For these reasons, this variant has been classified as Pathogenic. This variant disrupts a region of the BRCA2 protein in which other variant(s) (Tyr3225Ilefs*30, p.Tyr3308*) have been determined to be pathogenic (PMID: 12065746, 17026620, 18593900, 18607349, 22711857; Invitae). This suggests that this is a clinically significant region of the protein, and that variants that disrupt it are likely to be disease-causing. This variant has not been reported in the literature in individuals affected with BRCA2-related conditions. This variant is a gross deletion of the genomic region encompassing exon(s) 8-27 of the BRCA2 gene, which includes the termination codon. This deletion extends beyond the assayed region for this gene and therefore may encompass additional genes. While this deletion is not anticipated to lead to nonsense mediated decay, it is expected to alter mRNA translation or result in a truncated protein product.

Literature cited by the submitters: PubMed 12065746; PubMed 17026620; PubMed 18593900; PubMed 18607349; PubMed 22711857.